The following is an entry in ClinVar:

NM_005557.4(KRT16):c.135C>T (p.Thr45=)

Gene: KRT16 (keratin 16; minus strand). Cytogenetic location: 17q21.2.
Variant type: single nucleotide variant.
Coding change: c.135C>T on transcript NM_005557.4 (MANE Select); coding-DNA position 135, C replaced by T.
Protein change: p.Thr45=; no amino-acid change (threonine 45 retained).
Molecular consequence: synonymous variant.
Genome position (GRCh38, 1-based): chr17:41,612,554, G>A on the plus strand (C>T on the coding strand, the complement: KRT16 is on the minus strand). VCF-style: chr17-41612554-G-A. GRCh37 (hg19) VCF-style: chr17-39768806-G-A.
Identifiers: ClinVar variation 735823 (VCV000735823.7), dbSNP rs200661306, ClinGen allele CA8563342.

ClinVar aggregate classification (germline): Benign/Likely benign. Review status: criteria provided, multiple submitters, no conflicts (2 of 4 stars). 2 submissions from 2 submitters: Benign (1); Likely benign (1). Last evaluated 2026-03-01.

Allele frequency attached by ClinVar (database versions not stated): 1000 Genomes Project 30x 0.00016; 1000 Genomes Project 0.00020; gnomAD 0.00030 and 0.00037; TOPMed 0.00036; gnomAD exomes 0.00043; ExAC 0.00044.

Submissions (2):

CeGaT Center for Human Genetics Tuebingen
Classification: Likely benign. Last evaluated: 2026-03-01. Review status: criteria provided, single submitter. Criteria: CeGaT Center For Human Genetics Tuebingen Variant Classification Criteria Version 2. Collection method: clinical testing. Allele origin: germline. Affected: yes. Observed: 1 variant allele.
Comment: KRT16: BP4, BP7

Labcorp Genetics (formerly Invitae), Labcorp
Classification: Benign. Last evaluated: 2018-07-18. Review status: criteria provided, single submitter. Criteria: Invitae Variant Classification Sherloc (09022015). Collection method: clinical testing. Allele origin: germline.